The following is an entry in ClinVar:

NM_001394073.1(HS6ST2):c.941C>G (p.Pro314Arg)

Gene: HS6ST2 (heparan sulfate 6-O-sulfotransferase 2; minus strand). Cytogenetic location: Xq26.2.
Variant type: single nucleotide variant.
Coding change: c.941C>G on transcript NM_001394073.1 (MANE Select); coding-DNA position 941, C replaced by G.
Protein change: p.Pro314Arg; replaces proline 314 with arginine.
Molecular consequence: missense variant.
Genome position (GRCh38, 1-based): chrX:132,956,814, G>C on the plus strand (C>G on the coding strand, the complement: HS6ST2 is on the minus strand). VCF-style: chrX-132956814-G-C. GRCh37 (hg19) VCF-style: chrX-132090842-G-C.
Other names: c.941C>G, p.Pro314Arg (NM_001077188.2, NM_001394074.1, NM_147175.4); short protein forms P314R.
Identifiers: ClinVar variation 2616450 (VCV002616450.3), dbSNP rs1198179034, ClinGen allele CA414688589.

ClinVar aggregate classification (germline): Uncertain significance. Review status: criteria provided, single submitter (1 of 4 stars). 2 submissions from 2 submitters: Uncertain significance (1). 1 of the submissions does not count toward it. Last evaluated 2023-08-04.

Conditions:
HS6ST2-related disorder. Also called: HS6ST2-related condition.

Allele frequency attached by ClinVar (database versions not stated): gnomAD 0.00001.
gnomAD v4.1: 8 of 1,167,293 alleles (0.00069%); highest among the groups gnomAD compares: Non-Finnish European, 0.0008%; no homozygotes.

Submissions (2):

Ambry Genetics
Classification: Uncertain significance. Last evaluated: 2023-08-04. Review status: criteria provided, single submitter. Criteria: Ambry Variant Classification Scheme 2023. Collection method: clinical testing. Allele origin: germline.

PreventionGenetics, part of Exact Sciences
Classification: Uncertain significance for HS6ST2-related condition. Last evaluated: 2024-06-16. Review status: no assertion criteria provided. Collection method: clinical testing. Allele origin: germline. Not counted in ClinVar's aggregate classification.
Comment: The HS6ST2 c.941C>G variant is predicted to result in the amino acid substitution p.Pro314Arg. To our knowledge, this variant has not been reported in the literature or in a large population database, indicating this variant is rare. At this time, the clinical significance of this variant is uncertain due to the absence of conclusive functional and genetic evidence.